The following is an entry in ClinVar:

NM_004035.7(ACOX1):c.1485A>G (p.Val495=)

Gene: ACOX1 (acyl-CoA oxidase 1; minus strand). Cytogenetic location: 17q25.1.
Variant type: single nucleotide variant.
Coding change: c.1485A>G on transcript NM_004035.7 (MANE Select); coding-DNA position 1485, A replaced by G.
Protein change: p.Val495=; no amino-acid change (valine 495 retained).
Molecular consequence: synonymous variant.
Genome position (GRCh38, 1-based): chr17:75,949,594, T>C on the plus strand (A>G on the coding strand, the complement: ACOX1 is on the minus strand). VCF-style: chr17-75949594-T-C. GRCh37 (hg19) VCF-style: chr17-73945675-T-C.
Other names: c.1371A>G, p.Val457= (NM_001185039.2); c.1485A>G, p.Val495= (NM_007292.6); c.1485A>G (NM_004035.6).
Identifiers: ClinVar variation 1581477 (VCV001581477.9), dbSNP rs2065754869, ClinGen allele CA502056121.

ClinVar aggregate classification (germline): Likely benign. Review status: criteria provided, multiple submitters, no conflicts (2 of 4 stars). 2 submissions from 2 submitters: Likely benign (2). Last evaluated 2026-05-29.

Conditions:
Acyl-CoA oxidase deficiency. Also called: Peroxisomal acyl-CoA oxidase deficiency; STRAIGHT-CHAIN ACYL-CoA OXIDASE DEFICIENCY; Pseudoneonatal adrenoleukodystrophy. Identifiers: Orphanet 2971, MedGen C1849678, MONDO:0009919, OMIM 264470. Disease mechanism: loss of function.
ACOX1-related disorder. Also called: ACOX1-related disorders; ACOX1-related condition.

Submissions (2):

PreventionGenetics, part of Exact Sciences
Classification: Likely benign for ACOX1-related condition. Last evaluated: 2026-05-29. Review status: criteria provided, single submitter. Criteria: ACMG Guidelines, 2015. Collection method: clinical testing. Allele origin: germline.
Comment: This variant is classified as likely benign based on ACMG/AMP sequence variant interpretation guidelines (Richards et al. 2015 PMID: 25741868, with internal and published modifications).

Labcorp Genetics (formerly Invitae), Labcorp
Classification: Likely benign for Acyl-CoA oxidase deficiency. Last evaluated: 2025-07-28. Review status: criteria provided, single submitter. Criteria: Invitae Variant Classification Sherloc (09022015). Collection method: clinical testing. Allele origin: germline.